The following is an entry in ClinVar:

ClinVar aggregate classification (germline): Uncertain significance (1 of 4 stars; one submission).

Conditions:
Hereditary hyperekplexia. Identifiers: Orphanet 3197, MedGen C4084968, MONDO:0021022.

Allele frequency attached by ClinVar (database versions not stated): gnomAD exomes below 0.00001 and 0.00001; ExAC 0.00001; gnomAD 0.00001; TOPMed 0.00001.
gnomAD v4.1: 2 of 1,612,230 alleles (0.00012%); highest among the groups gnomAD compares: African/African-American, 0.0027%; no homozygotes.

Submission:

Labcorp Genetics (formerly Invitae), Labcorp
Classification: Uncertain significance for Hereditary hyperekplexia. Last evaluated: 2026-01-12. Review status: criteria provided, single submitter. Criteria: Invitae Variant Classification Sherloc (09022015). Collection method: clinical testing. Allele origin: germline.
Comment: This sequence change replaces phenylalanine, which is neutral and non-polar, with leucine, which is neutral and non-polar, at codon 173 of the GLRA1 protein (p.Phe173Leu). This variant is present in population databases (rs746144414, gnomAD 0.007%). This variant has not been reported in the literature in individuals affected with GLRA1-related conditions. ClinVar contains an entry for this variant (Variation ID: 861642). Invitae Evidence Modeling of protein sequence and biophysical properties (such as structural, functional, and spatial information, amino acid conservation, physicochemical variation, residue mobility, and thermodynamic stability) indicates that this missense variant is expected to disrupt GLRA1 protein function with a positive predictive value of 80%. In summary, the available evidence is currently insufficient to determine the role of this variant in disease. Therefore, it has been classified as a Variant of Uncertain Significance.

NM_000171.4(GLRA1):c.517T>C (p.Phe173Leu)

Gene: GLRA1 (glycine receptor alpha 1; minus strand). Cytogenetic location: 5q33.1.
Variant type: single nucleotide variant.
Coding change: c.517T>C on transcript NM_000171.4 (MANE Select); coding-DNA position 517, T replaced by C.
Protein change: p.Phe173Leu; replaces phenylalanine 173 with leucine.
Molecular consequence: missense variant.
Genome position (GRCh38, 1-based): chr5:151,856,343, A>G on the plus strand (T>C on the coding strand, the complement: GLRA1 is on the minus strand). VCF-style: chr5-151856343-A-G. GRCh37 (hg19) VCF-style: chr5-151235904-A-G.
Other names: c.517T>C, p.Phe173Leu (NM_001146040.2); c.268T>C, p.Phe90Leu (NM_001292000.2); short protein forms F173L, F90L.
Identifiers: ClinVar variation 861642 (VCV000861642.9), dbSNP rs746144414, ClinGen allele CA3523671.